The following is an entry in ClinVar:

NM_025132.4(WDR19):c.1796C>T (p.Ala599Val)

Gene: WDR19 (WD repeat domain 19; plus strand). Cytogenetic location: 4p14.
Variant type: single nucleotide variant.
Coding change: c.1796C>T on transcript NM_025132.4 (MANE Select); coding-DNA position 1796, C replaced by T.
Protein change: p.Ala599Val; replaces alanine 599 with valine.
Molecular consequence: missense variant.
Genome position (GRCh38, 1-based): chr4:39,228,504, C>T. VCF-style: chr4-39228504-C-T. GRCh37 (hg19) VCF-style: chr4-39230124-C-T.
Other names: c.1316C>T, p.Ala439Val (NM_001317924.2); short protein forms A439V, A599V.
Identifiers: ClinVar variation 836791 (VCV000836791.10), dbSNP rs193273000, ClinGen allele CA2891940.

ClinVar aggregate classification (germline): Uncertain significance. Review status: criteria provided, multiple submitters, no conflicts (2 of 4 stars). 4 submissions from 4 submitters: Uncertain significance (4). Last evaluated 2022-10-13.

Conditions:
Inborn genetic diseases. Identifiers: MedGen C0950123, MeSH D030342.
Spermatogenic failure 72 (SPGF72). Identifiers: MedGen C5676980, MONDO:0030809, OMIM 619867.
Senior-Loken syndrome 8 (SLSN8). Identifiers: Orphanet 3156, MedGen C4225376, MONDO:0014579, OMIM 616307.
Nephronophthisis 13 (NPHP13). Identifiers: Orphanet 655, MedGen C3280612, MONDO:0013718, OMIM 614377.
Asphyxiating thoracic dystrophy 5 (SRTD5). Also called: SHORT-RIB THORACIC DYSPLASIA 5 WITHOUT POLYDACTYLY; SHORT-RIB THORACIC DYSPLASIA 5 WITH OR WITHOUT POLYDACTYLY. Identifiers: Orphanet 474, MedGen C3280598, MONDO:0013717, OMIM 614376.
Cranioectodermal dysplasia 4 (CED4). Identifiers: Orphanet 1515, MedGen C3280616, MONDO:0013719, OMIM 614378.

Allele frequency attached by ClinVar (database versions not stated): TOPMed 0.00014; 1000 Genomes Project 30x 0.00016; ExAC 0.00001; gnomAD exomes 0.00001; gnomAD 0.00010 and 0.00011; 1000 Genomes Project 0.00020.
gnomAD v4.1: 24 of 1,613,806 alleles (0.0015%); highest among the groups gnomAD compares: Admixed American, 0.028%; 1 homozygote.

Submissions (4):

Labcorp Genetics (formerly Invitae), Labcorp
Classification: Uncertain significance for Senior-Loken syndrome 8; Asphyxiating thoracic dystrophy 5. Last evaluated: 2022-10-13. Review status: criteria provided, single submitter. Criteria: Invitae Variant Classification Sherloc (09022015). Collection method: clinical testing. Allele origin: germline.
Comment: This sequence change replaces alanine, which is neutral and non-polar, with valine, which is neutral and non-polar, at codon 599 of the WDR19 protein (p.Ala599Val). This variant is present in population databases (rs193273000, gnomAD 0.004%). This variant has not been reported in the literature in individuals affected with WDR19-related conditions. ClinVar contains an entry for this variant (Variation ID: 836791). Advanced modeling of protein sequence and biophysical properties (such as structural, functional, and spatial information, amino acid conservation, physicochemical variation, residue mobility, and thermodynamic stability) performed at Invitae indicates that this missense variant is not expected to disrupt WDR19 protein function. In summary, the available evidence is currently insufficient to determine the role of this variant in disease. Therefore, it has been classified as a Variant of Uncertain Significance.

Fulgent Genetics
Classification: Uncertain significance for Asphyxiating thoracic dystrophy 5; Nephronophthisis 13; Cranioectodermal dysplasia 4; Senior-Loken syndrome 8; Spermatogenic failure 72. Last evaluated: 2022-01-11. Review status: criteria provided, single submitter. Criteria: ACMG Guidelines, 2015. Collection method: clinical testing. Allele origin: unknown.

Blueprint Genetics
Classification: Uncertain significance. Last evaluated: 2021-11-13. Review status: criteria provided, single submitter. Criteria: ACMG Guidelines, 2015. Collection method: clinical testing. Allele origin: germline.

Ambry Genetics
Classification: Uncertain significance for Inborn genetic diseases. Last evaluated: 2021-06-18. Review status: criteria provided, single submitter. Criteria: Ambry Variant Classification Scheme 2023. Collection method: clinical testing. Allele origin: germline.